The following is an entry in ClinVar:

ClinVar aggregate classification (germline): Pathogenic/Likely pathogenic. Review status: criteria provided, multiple submitters, no conflicts (2 of 4 stars). 2 submissions from 2 submitters: Pathogenic (1); Likely pathogenic (1). Last evaluated 2025-08-28.

Conditions:
RFX6-related disorder. Also called: RFX6-related condition.

gnomAD v4.1: 6 of 1,609,656 alleles (0.00037%); highest among the groups gnomAD compares: African/African-American, 0.0013%; no homozygotes.

Submissions (2):

PreventionGenetics, part of Exact Sciences
Classification: Likely pathogenic for RFX6-related condition. Last evaluated: 2025-08-28. Review status: criteria provided, single submitter. Criteria: ACMG Guidelines, 2015. Collection method: clinical testing. Allele origin: germline.
Comment: The RFX6 c.1573C>T variant is predicted to result in premature protein termination (p.Arg525*). To our knowledge, this variant has not been reported in the literature. This variant is reported in 0.00088% of alleles in individuals of European (Non-Finnish) descent in gnomAD. Nonsense variants in RFX6 are expected to be pathogenic. This variant is interpreted as likely pathogenic.

Labcorp Genetics (formerly Invitae), Labcorp
Classification: Pathogenic. Last evaluated: 2025-06-09. Review status: criteria provided, single submitter. Criteria: Invitae Variant Classification Sherloc (09022015). Collection method: clinical testing. Allele origin: germline.
Comment: This sequence change creates a premature translational stop signal (p.Arg525*) in the RFX6 gene. It is expected to result in an absent or disrupted protein product. Loss-of-function variants in RFX6 are known to be pathogenic (PMID: 20148032). The frequency data for this variant in the population databases is considered unreliable, as metrics indicate poor data quality at this position in the gnomAD database. This variant has not been reported in the literature in individuals affected with RFX6-related conditions. For these reasons, this variant has been classified as Pathogenic.

Literature cited by the submitters: PubMed 20148032 (cited by Labcorp Genetics (formerly Invitae), Labcorp).

NM_173560.4(RFX6):c.1573C>T (p.Arg525Ter)

Gene: RFX6 (regulatory factor X6; plus strand). Cytogenetic location: 6q22.1.
Variant type: single nucleotide variant.
Coding change: c.1573C>T on transcript NM_173560.4 (MANE Select); coding-DNA position 1573, C replaced by T.
Protein change: p.Arg525Ter; replaces arginine 525 with a stop codon.
Molecular consequence: nonsense.
Genome position (GRCh38, 1-based): chr6:116,924,686, C>T. VCF-style: chr6-116924686-C-T. GRCh37 (hg19) VCF-style: chr6-117245849-C-T.
Other names: c.1573C>T (NM_173560.3); short protein forms R525*.
Identifiers: ClinVar variation 4779988 (VCV004779988.2).
Genomic context (GRCh38, chr6:116,924,686, plus strand): 5'-ACATTTCACACTGTCCTCTCCTCATTCTCCATCCATAAACAAGGTTCTTTTCATTTGATT[C>T]GAATGCTTCTCGATGAATACATTCTCCTGGCCATGGAGACCCAGTTTAATAATGACAAAG-3'